The following is an entry in ClinVar:

ClinVar aggregate classification (germline): Uncertain significance. Review status: criteria provided, multiple submitters, no conflicts (2 of 4 stars). 2 submissions from 2 submitters: Uncertain significance (2). Last evaluated 2025-12-23.

Conditions:
Atrioventricular septal defect 4 (AVSD4). Identifiers: MedGen C3280781, MONDO:0013747, OMIM 614430.

gnomAD v4.1: 63 of 1,614,206 alleles (0.0039%); highest among the groups gnomAD compares: Non-Finnish European, 0.0051%; no homozygotes.

Submissions (2):

Labcorp Genetics (formerly Invitae), Labcorp
Classification: Uncertain significance for Atrioventricular septal defect 4. Last evaluated: 2025-12-23. Review status: criteria provided, single submitter. Criteria: Invitae Variant Classification Sherloc (09022015). Collection method: clinical testing. Allele origin: germline.
Comment: This sequence change replaces asparagine, which is neutral and polar, with lysine, which is basic and polar, at codon 248 of the GATA4 protein (p.Asn248Lys). This variant is present in population databases (rs140212153, gnomAD 0.0009%). This variant has not been reported in the literature in individuals affected with GATA4-related conditions. ClinVar contains an entry for this variant (Variation ID: 859666). Invitae Evidence Modeling of protein sequence and biophysical properties (such as structural, functional, and spatial information, amino acid conservation, physicochemical variation, residue mobility, and thermodynamic stability) indicates that this missense variant is expected to disrupt GATA4 protein function with a positive predictive value of 95%. In summary, the available evidence is currently insufficient to determine the role of this variant in disease. Therefore, it has been classified as a Variant of Uncertain Significance.

Blueprint Genetics
Classification: Uncertain significance. Last evaluated: 2023-11-27. Review status: criteria provided, single submitter. Criteria: ACMG Guidelines, 2015. Collection method: clinical testing. Allele origin: germline.

NM_001308093.3(GATA4):c.747C>A (p.Asn249Lys)

Gene: GATA4 (GATA binding protein 4). Cytogenetic location: 8p23.1.
Variant type: single nucleotide variant.
Coding change: c.747C>A on transcript NM_001308093.3 (MANE Select); coding-DNA position 747, C replaced by A.
Protein change: p.Asn249Lys; replaces asparagine 249 with lysine.
Molecular consequence: missense variant.
Genome position (GRCh38, 1-based): chr8:11,749,046, C>A. VCF-style: chr8-11749046-C-A. GRCh37 (hg19) VCF-style: chr8-11606555-C-A.
Other names: c.126C>A, p.Asn42Lys (NM_001308094.2, NM_001374273.1, NM_001374274.1); c.744C>A, p.Asn248Lys (NM_002052.5); short protein forms N248K, N249K, N42K.
Identifiers: ClinVar variation 859666 (VCV000859666.10), dbSNP rs140212153, ClinGen allele CA172113195.